The following is an entry in ClinVar:

NM_002691.4(POLD1):c.2154+3G>A

Gene: POLD1 (DNA polymerase delta 1, catalytic subunit; plus strand). Cytogenetic location: 19q13.33.
Variant type: single nucleotide variant.
Coding change: c.2154+3G>A on transcript NM_002691.4 (MANE Select); 3 bases into the intron after coding-DNA position 2154, G replaced by A.
Molecular consequence: intron variant.
Genome position (GRCh38, 1-based): chr19:50,409,669, G>A. VCF-style: chr19-50409669-G-A. GRCh37 (hg19) VCF-style: chr19-50912926-G-A.
Other names: c.2154+3G>A (NM_001256849.1, NM_002691.2); c.2232+3G>A (NM_001308632.1).
Identifiers: ClinVar variation 1039066 (VCV001039066.8), dbSNP rs2039024959, ClinGen allele CA2340886960.

ClinVar aggregate classification (germline): Uncertain significance. Review status: criteria provided, multiple submitters, no conflicts (2 of 4 stars). 2 submissions from 2 submitters: Uncertain significance (2). Last evaluated 2025-11-17.

Conditions:
POLD1-related polyposis and colorectal cancer syndrome (CRCS10). Also called: Colorectal cancer 10; COLORECTAL CANCER, SUSCEPTIBILITY TO, ON CHROMOSOME 19q; Colorectal cancer, susceptibility to, 10. Identifiers: Orphanet 220460, MedGen C2675481, MONDO:0012953, OMIM 612591.
Hereditary cancer-predisposing syndrome. Also called: Tumor predisposition; Hereditary Cancer Syndrome; Hereditary neoplastic syndrome; Neoplastic Syndromes, Hereditary. Identifiers: Orphanet 140162, MedGen C0027672, MeSH D009386, MONDO:0015356.

Submissions (2):

Ambry Genetics
Classification: Uncertain significance for Hereditary cancer-predisposing syndrome. Last evaluated: 2025-11-17. Review status: criteria provided, single submitter. Criteria: Ambry Variant Classification Scheme 2023. Collection method: clinical testing. Allele origin: germline.
Comment: The c.2154+3G>A intronic variant results from a G to A substitution 3 nucleotides after coding exon 16 in the POLD1 gene. This nucleotide position is not well conserved in available vertebrate species. In silico splice site analysis predicts that this alteration will not have any significant effect on splicing. Based on the available evidence, the clinical significance of this variant remains unclear.

Labcorp Genetics (formerly Invitae), Labcorp
Classification: Uncertain significance for POLD1-related polyposis and colorectal cancer syndrome. Last evaluated: 2025-11-10. Review status: criteria provided, single submitter. Criteria: Invitae Variant Classification Sherloc (09022015). Collection method: clinical testing. Allele origin: germline.
Comment: This sequence change falls in intron 17 of the POLD1 gene. It does not directly change the encoded amino acid sequence of the POLD1 protein. It affects a nucleotide within the consensus splice site. This variant is not present in population databases (gnomAD no frequency). This variant has not been reported in the literature in individuals affected with POLD1-related conditions. ClinVar contains an entry for this variant (Variation ID: 1039066). Variants that disrupt the consensus splice site are a relatively common cause of aberrant splicing (PMID: 17576681, 9536098). Algorithms developed to predict the effect of sequence changes on RNA splicing suggest that this variant is not likely to affect RNA splicing. In summary, the available evidence is currently insufficient to determine the role of this variant in disease. Therefore, it has been classified as a Variant of Uncertain Significance.

Literature cited by the submitters: PubMed 17576681 (cited by Labcorp Genetics (formerly Invitae), Labcorp); PubMed 9536098 (cited by Labcorp Genetics (formerly Invitae), Labcorp).